The following is an entry in ClinVar:

NM_017415.3(KLHL3):c.481G>A (p.Val161Ile)

Gene: KLHL3 (kelch like family member 3; minus strand). Cytogenetic location: 5q31.2.
Variant type: single nucleotide variant.
Coding change: c.481G>A on transcript NM_017415.3 (MANE Select); coding-DNA position 481, G replaced by A.
Protein change: p.Val161Ile; replaces valine 161 with isoleucine.
Molecular consequence: missense variant.
Genome position (GRCh38, 1-based): chr5:137,692,330, C>T on the plus strand (G>A on the coding strand, the complement: KLHL3 is on the minus strand). VCF-style: chr5-137692330-C-T. GRCh37 (hg19) VCF-style: chr5-137028019-C-T.
Other names: c.385G>A, p.Val129Ile (NM_001257194.1); c.235G>A, p.Val79Ile (NM_001257195.2); short protein forms V129I, V161I, V79I.
Identifiers: ClinVar variation 3336258 (VCV003336258.1).

ClinVar aggregate classification (germline): Uncertain significance (1 of 4 stars; one submission).

gnomAD v4.1: 1 of 1,613,392 alleles (0.000062%); highest among the groups gnomAD compares: African/African-American, 0.0013%; no homozygotes.

Submission:

Women's Health and Genetics/Laboratory Corporation of America, LabCorp
Classification: Uncertain significance. Last evaluated: 2024-05-02. Review status: criteria provided, single submitter. Criteria: LabCorp Variant Classification Summary - May 2015. Collection method: clinical testing. Allele origin: germline.
Comment: Variant summary: KLHL3 c.481G>A (p.Val161Ile) results in a conservative amino acid change located in the BTB/Kelch-associated domain (IPR011705) of the encoded protein sequence. Four of five in-silico tools predict a benign effect of the variant on protein function. The variant was absent in 250620 control chromosomes. The available data on variant occurrences in the general population are insufficient to allow any conclusion about variant significance. To our knowledge, no occurrence of c.481G>A in individuals affected with Pseudohypoaldosteronism Type 2D and no experimental evidence demonstrating its impact on protein function have been reported. No submitters have cited clinical-significance assessments for this variant to ClinVar. Based on the evidence outlined above, the variant was classified as uncertain significance.